The following is an entry in ClinVar:

ClinVar aggregate classification (germline): Uncertain significance (1 of 4 stars; one submission).

Allele frequency attached by ClinVar (database versions not stated): gnomAD 0.00001; TOPMed 0.00001; gnomAD exomes 0.00003; ExAC 0.00004; 1000 Genomes Project 0.00020; 1000 Genomes Project 30x 0.00031.
gnomAD v4.1: 9 of 1,605,722 alleles (0.00056%); highest among the groups gnomAD compares: Admixed American, 0.013%; no homozygotes.

Submission:

Center for Genomics, Ann and Robert H. Lurie Children's Hospital of Chicago
Classification: Uncertain significance. Last evaluated: 2021-03-30. Review status: criteria provided, single submitter. Criteria: ACMG Guidelines, 2015. Collection method: clinical testing. Allele origin: germline.
Comment: SELP NM_003005.3 exon 9 p.Glu456* (c.1366G>T): This variant has not been reported in the literature but is present in 0.01% (6/33222) of Latino alleles in the Genome Aggregation Database. Evolutionary conservation and computational predictive tools for this variant are limited or unavailable. This variant creates a premature stop at this codon and is predicted to result in an absent or abnormal protein. However, there is insufficient evidence to establish loss of function (LOF) as a known mechanism of disease. Further studies are needed to understand its impact. In summary, data on this variant is insufficient for disease classification. Therefore, the clinical significance of this variant is uncertain.

NM_003005.4(SELP):c.1366G>T (p.Glu456Ter)

Gene: SELP (selectin P; minus strand). Cytogenetic location: 1q24.2.
Variant type: single nucleotide variant.
Coding change: c.1366G>T on transcript NM_003005.4 (MANE Select); coding-DNA position 1366, G replaced by T.
Protein change: p.Glu456Ter; replaces glutamic acid 456 with a stop codon.
Molecular consequence: nonsense.
Genome position (GRCh38, 1-based): chr1:169,607,102, C>A on the plus strand (G>T on the coding strand, the complement: SELP is on the minus strand). VCF-style: chr1-169607102-C-A. GRCh37 (hg19) VCF-style: chr1-169576340-C-A.
Other names: short protein forms E456*.
Identifiers: ClinVar variation 626015 (VCV000626015.2), dbSNP rs201464784, ClinGen allele CA1235144.